The following is an entry in ClinVar:

NM_002224.4(ITPR3):c.5066T>C (p.Met1689Thr)

Gene: ITPR3 (inositol 1,4,5-trisphosphate receptor type 3; plus strand). Cytogenetic location: 6p21.31.
Variant type: single nucleotide variant.
Coding change: c.5066T>C on transcript NM_002224.4 (MANE Select); coding-DNA position 5066, T replaced by C.
Protein change: p.Met1689Thr; replaces methionine 1689 with threonine.
Molecular consequence: missense variant.
Genome position (GRCh38, 1-based): chr6:33,684,617, T>C. VCF-style: chr6-33684617-T-C. GRCh37 (hg19) VCF-style: chr6-33652394-T-C.
Other names: short protein forms M1689T.
Identifiers: ClinVar variation 5009755 (VCV005009755.1).

ClinVar aggregate classification (germline): Uncertain significance (1 of 4 stars; one submission).

Submission:

GeneDx
Classification: Uncertain significance. Last evaluated: 2026-03-05. Review status: criteria provided, single submitter. Criteria: GeneDx Variant Classification Process June 2021. Collection method: clinical testing. Allele origin: germline.
Comment: Not observed at significant frequency in large population cohorts (gnomAD); In silico analysis suggests that this missense variant does not alter protein structure/function; Has not been previously published as pathogenic or benign to our knowledge